The following is an entry in ClinVar:

NM_007348.4(ATF6):c.1372C>G (p.Pro458Ala)

Gene: ATF6 (activating transcription factor 6; plus strand). Cytogenetic location: 1q23.3.
Variant type: single nucleotide variant.
Coding change: c.1372C>G on transcript NM_007348.4 (MANE Select); coding-DNA position 1372, C replaced by G.
Protein change: p.Pro458Ala; replaces proline 458 with alanine.
Molecular consequence: missense variant.
Genome position (GRCh38, 1-based): chr1:161,851,774, C>G. VCF-style: chr1-161851774-C-G. GRCh37 (hg19) VCF-style: chr1-161821564-C-G.
Other names: c.1372C>G (NM_007348.3); short protein forms P458A.
Identifiers: ClinVar variation 1409434 (VCV001409434.6), dbSNP rs375118660, ClinGen allele CA1214450.
Genomic context (GRCh38, chr1:161,851,774, plus strand): 5'-TGTTTCAGATATGATCATTCTGTTTCAAATGACAAAGCCCTGATGGTGCTAACTGAAGAA[C>G]CATTGCTTTACATTCCTCCACCTCCTTGTCAGCCCCTAATTAACACAACAGAGTCTCTCA-3'
Protein context (NP_031374.2, residues 448-468): DKALMVLTEE[Pro458Ala]LLYIPPPPCQ

ClinVar aggregate classification (germline): Uncertain significance. Review status: criteria provided, multiple submitters, no conflicts (2 of 4 stars). 2 submissions from 2 submitters: Uncertain significance (2). Last evaluated 2024-12-02.

Conditions:
Inborn genetic diseases. Identifiers: MedGen C0950123, MeSH D030342.

Allele frequency attached by ClinVar (database versions not stated): ExAC 0.00004; gnomAD exomes 0.00004; TOPMed 0.00007; gnomAD 0.00011; ESP Exome Variant Server 0.00015; 1000 Genomes Project 30x 0.00016; 1000 Genomes Project 0.00020.
gnomAD v4.1: 32 of 1,613,902 alleles (0.002%); highest among the groups gnomAD compares: African/African-American, 0.04%; no homozygotes.

Submissions (2):

Labcorp Genetics (formerly Invitae), Labcorp
Classification: Uncertain significance. Last evaluated: 2024-12-02. Review status: criteria provided, single submitter. Criteria: Invitae Variant Classification Sherloc (09022015). Collection method: clinical testing. Allele origin: germline.
Comment: This sequence change replaces proline, which is neutral and non-polar, with alanine, which is neutral and non-polar, at codon 458 of the ATF6 protein (p.Pro458Ala). This variant is present in population databases (rs375118660, gnomAD 0.06%). This variant has not been reported in the literature in individuals affected with ATF6-related conditions. ClinVar contains an entry for this variant (Variation ID: 1409434). Invitae Evidence Modeling of protein sequence and biophysical properties (such as structural, functional, and spatial information, amino acid conservation, physicochemical variation, residue mobility, and thermodynamic stability) has been performed for this missense variant. However, the output from this modeling did not meet the statistical confidence thresholds required to predict the impact of this variant on ATF6 protein function. In summary, the available evidence is currently insufficient to determine the role of this variant in disease. Therefore, it has been classified as a Variant of Uncertain Significance.

Ambry Genetics
Classification: Uncertain significance for Inborn genetic diseases. Last evaluated: 2024-06-07. Review status: criteria provided, single submitter. Criteria: Ambry Variant Classification Scheme 2023. Collection method: clinical testing. Allele origin: germline.